The following is an entry in ClinVar:

ClinVar aggregate classification (germline): Benign/Likely benign. Review status: criteria provided, multiple submitters, no conflicts (2 of 4 stars). 5 submissions from 5 submitters: Benign (3); Likely benign (2). Last evaluated 2026-02-04.

Conditions:
Dilated cardiomyopathy 1R (CMD1R). Identifiers: Orphanet 154, Orphanet 54260, MedGen C3150681, MONDO:0013261, OMIM 613424.
Atrial septal defect 5 (ASD5). Identifiers: Orphanet 1478, MedGen C2748552, MONDO:0013011, OMIM 612794.
Hypertrophic cardiomyopathy 11. Also called: ACTC1-Related Familial Hypertrophic Cardiomyopathy. Identifiers: MedGen C2677506, MONDO:0012799, OMIM 612098.

Submissions (5):

Labcorp Genetics (formerly Invitae), Labcorp
Classification: Likely benign for Dilated cardiomyopathy 1R; Hypertrophic cardiomyopathy 11; Atrial septal defect 5. Last evaluated: 2026-02-04. Review status: criteria provided, single submitter. Criteria: Invitae Variant Classification Sherloc (09022015). Collection method: clinical testing. Allele origin: germline.

Blueprint Genetics
Classification: Benign. Last evaluated: 2024-11-27. Review status: criteria provided, single submitter. Criteria: ACMG Guidelines, 2015. Collection method: clinical testing. Allele origin: germline.

Mayo Clinic Laboratories, Mayo Clinic
Classification: Likely benign. Last evaluated: 2022-05-13. Review status: criteria provided, single submitter. Criteria: ACMG Guidelines, 2015. Collection method: clinical testing. Allele origin: germline. Observed: 195 variant alleles.

Women's Health and Genetics/Laboratory Corporation of America, LabCorp
Classification: Benign. Last evaluated: 2019-08-13. Review status: criteria provided, single submitter. Criteria: LabCorp Variant Classification Summary - May 2015. Collection method: clinical testing. Allele origin: germline.
Comment: Variant summary: ACTC1 c.809-28_809-13delTGTGTGTGTGTGTGTG alters a nucleotide located close to a canonical splice site and therefore could affect mRNA splicing, leading to a significantly altered protein sequence. 5/5 computational tools predict no significant impact on normal splicing. However, these predictions have yet to be confirmed by functional studies. The variant allele was found at a frequency of 0.14 in 24922 control chromosomes in the gnomAD database, including 256 homozygotes. The observed variant frequency is approximately 5553-folds over the estimated maximal expected allele frequency for a pathogenic variant in ACTC1 causing Cardiomyopathy phenotype (2.5e-05), strongly suggesting that the variant is benign. To our knowledge, no occurrence of c.809-28_809-13del16 in individuals affected with Cardiomyopathy and no experimental evidence demonstrating its impact on protein function have been reported. No clinical diagnostic laboratories have submitted clinical-significance assessments for this variant to ClinVar after 2014. Based on the evidence outlined above, the variant was classified as benign.

GeneDx
Classification: Benign. Last evaluated: 2019-08-11. Review status: criteria provided, single submitter. Criteria: GeneDx Variant Classification Process June 2021. Collection method: clinical testing. Allele origin: germline. Affected: yes.

NM_005159.5(ACTC1):c.809-58TG[15]

Genes: GJD2-DT (GJD2 divergent transcript; plus strand), ACTC1 (actin alpha cardiac muscle 1; minus strand). Cytogenetic location: 15q14.
Variant type: Microsatellite.
Coding change: c.809-58TG[15] on transcript NM_005159.5 (MANE Select); 15 copies in a row of the 2-base unit TG starting at c.809-58; the reference has 23 copies in a row; eight copies, 16 bases deleted.
Molecular consequence: intron variant.
Genome position (GRCh38, 1-based): chr15:34,791,308-34,791,323, CACACACACACACACA deleted on the plus strand (TGTGTGTGTGTGTGTG on the coding strand, the reverse complement: ACTC1 is on the minus strand); deleting any 16 consecutive bases within chr15:34,791,308-34,791,353 gives the same sequence; the position shown is the placement nearest the transcript's 3' end. VCF-style (leftmost placement, unchanged base first): chr15-34791307-TCACACACACACACACA-T. GRCh37 (hg19) VCF-style: chr15-35083508-TCACACACACACACACA-T.
Other names: c.809-28_809-13del16 (NM_005159.4).
Identifiers: ClinVar variation 929118 (VCV000929118.14), dbSNP rs59431308, ClinGen allele CA268661157.